The following is an entry in ClinVar:

NM_004446.3(EPRS1):c.4019G>A (p.Arg1340His)

Gene: EPRS1 (glutamyl-prolyl-tRNA synthetase 1; minus strand). Cytogenetic location: 1q41.
Variant type: single nucleotide variant.
Coding change: c.4019G>A on transcript NM_004446.3 (MANE Select); coding-DNA position 4019, G replaced by A.
Protein change: p.Arg1340His; replaces arginine 1340 with histidine.
Molecular consequence: missense variant.
Genome position (GRCh38, 1-based): chr1:219,978,610, C>T on the plus strand (G>A on the coding strand, the complement: EPRS1 is on the minus strand). VCF-style: chr1-219978610-C-T. GRCh37 (hg19) VCF-style: chr1-220151952-C-T.
Other names: short protein forms R1340H.
Identifiers: ClinVar variation 2086160 (VCV002086160.4), dbSNP rs377268601, ClinGen allele CA1399525.

ClinVar aggregate classification (germline): Uncertain significance (1 of 4 stars; one submission).

gnomAD v4.1: 11 of 1,608,442 alleles (0.00068%); highest among the groups gnomAD compares: Admixed American, 0.0034%; no homozygotes.

Submission:

Labcorp Genetics (formerly Invitae), Labcorp
Classification: Uncertain significance. Last evaluated: 2025-11-03. Review status: criteria provided, single submitter. Criteria: Invitae Variant Classification Sherloc (09022015). Collection method: clinical testing. Allele origin: germline.
Comment: This sequence change replaces arginine, which is basic and polar, with histidine, which is basic and polar, at codon 1340 of the EPRS protein (p.Arg1340His). This variant is present in population databases (rs377268601, gnomAD 0.006%). This variant has not been reported in the literature in individuals affected with EPRS-related conditions. ClinVar contains an entry for this variant (Variation ID: 2086160). An algorithm developed to predict the effect of missense changes on protein structure and function (PolyPhen-2) suggests that this variant is likely to be disruptive. In summary, the available evidence is currently insufficient to determine the role of this variant in disease. Therefore, it has been classified as a Variant of Uncertain Significance.